The following is an entry in ClinVar:

ClinVar aggregate classification (germline): Uncertain significance (1 of 4 stars; one submission).

Conditions:
Cardiovascular phenotype. Identifiers: MedGen CN230736.
Hereditary cancer-predisposing syndrome. Also called: Hereditary neoplastic syndrome; Neoplastic Syndromes, Hereditary; Tumor predisposition; Hereditary Cancer Syndrome. Identifiers: Orphanet 140162, MedGen C0027672, MeSH D009386, MONDO:0015356.

gnomAD v4.1: 1 of 1,612,026 alleles (0.000062%); highest among the groups gnomAD compares: Non-Finnish European, 0.000085%; no homozygotes.

Submission:

Ambry Genetics
Classification: Uncertain significance for Cardiovascular phenotype; Hereditary cancer-predisposing syndrome. Last evaluated: 2025-07-28. Review status: criteria provided, single submitter. Criteria: Ambry Variant Classification Scheme 2023. Collection method: clinical testing. Allele origin: germline.
Comment: The p.H1507D variant (also known as c.4519C>G), located in coding exon 34 of the NF1 gene, results from a C to G substitution at nucleotide position 4519. The histidine at codon 1507 is replaced by aspartic acid, an amino acid with similar properties. This amino acid position is conserved. In addition, this alteration is predicted to be deleterious by in silico analysis. Based on the available evidence, the clinical significance of this variant remains unclear.

NM_001042492.3(NF1):c.4582C>G (p.His1528Asp)

Gene: NF1 (neurofibromin 1; plus strand). Cytogenetic location: 17q11.2.
Variant type: single nucleotide variant.
Coding change: c.4582C>G on transcript NM_001042492.3 (MANE Select); coding-DNA position 4582, C replaced by G.
Protein change: p.His1528Asp; replaces histidine 1528 with aspartic acid.
Molecular consequence: missense variant.
Genome position (GRCh38, 1-based): chr17:31,261,715, C>G. VCF-style: chr17-31261715-C-G. GRCh37 (hg19) VCF-style: chr17-29588733-C-G.
Other names: c.4519C>G, p.His1507Asp (NM_000267.4); short protein forms H1507D, H1528D.
Identifiers: ClinVar variation 4119116 (VCV004119116.1).